The following is an entry in ClinVar:

ClinVar aggregate classification (germline): Uncertain significance (1 of 4 stars; one submission).

Conditions:
Inborn genetic diseases. Identifiers: MedGen C0950123, MeSH D030342.

Submission:

Ambry Genetics
Classification: Uncertain significance for Inborn genetic diseases. Last evaluated: 2025-06-16. Review status: criteria provided, single submitter. Criteria: Ambry Variant Classification Scheme 2023. Collection method: clinical testing. Allele origin: germline.
Comment: The p.K135N variant (also known as c.405G>T), located in coding exon 3 of the CAV1 gene, results from a G to T substitution at nucleotide position 405. The lysine at codon 135 is replaced by asparagine, an amino acid with similar properties. This amino acid position is conserved. In addition, the in silico prediction for this alteration is inconclusive. Based on the available evidence, the clinical significance of this variant remains unclear.

NM_001753.5(CAV1):c.405G>T (p.Lys135Asn)

Gene: CAV1 (caveolin 1; plus strand). Cytogenetic location: 7q31.2.
Variant type: single nucleotide variant.
Coding change: c.405G>T on transcript NM_001753.5 (MANE Select); coding-DNA position 405, G replaced by T.
Protein change: p.Lys135Asn; replaces lysine 135 with asparagine.
Molecular consequence: missense variant.
Genome position (GRCh38, 1-based): chr7:116,559,155, G>T. VCF-style: chr7-116559155-G-T. GRCh37 (hg19) VCF-style: chr7-116199209-G-T.
Other names: c.312G>T, p.Lys104Asn (NM_001172895.1, NM_001172896.2, NM_001172897.2); short protein forms K104N, K135N.
Identifiers: ClinVar variation 4219731 (VCV004219731.1).